The following is an entry in ClinVar:

NM_007294.4(BRCA1):c.1380A>G (p.Ile460Met)

Gene: BRCA1 (BRCA1 DNA repair associated; minus strand). Cytogenetic location: 17q21.31.
Variant type: single nucleotide variant.
Coding change: c.1380A>G on transcript NM_007294.4 (MANE Select); coding-DNA position 1380, A replaced by G.
Protein change: p.Ile460Met; replaces isoleucine 460 with methionine.
Molecular consequence: missense variant. On other transcripts: intron variant (137).
Genome position (GRCh38, 1-based): chr17:43,094,151, T>C on the plus strand (A>G on the coding strand, the complement: BRCA1 is on the minus strand). VCF-style: chr17-43094151-T-C. GRCh37 (hg19) VCF-style: chr17-41246168-T-C.
Other names: c.1377A>G, p.Ile459Met (NM_001407637.1, NM_001407638.1, NM_001407644.1 and 22 more transcripts); c.1380A>G, p.Ile460Met (NM_001407639.1, NM_001407640.1, NM_001407641.1 and 30 more transcripts); c.1371A>G, p.Ile457Met (NM_001407646.1, NM_001407647.1); c.1299A>G, p.Ile433Met (NM_001407659.1, NM_001407660.1, NM_001407661.1 and 1 more transcripts); c.1302A>G, p.Ile434Met (NM_001407663.1, NM_001407653.1, NM_001407654.1 and 4 more transcripts); c.1257A>G, p.Ile419Met (NM_001407664.1, NM_001407665.1, NM_001407666.1 and 19 more transcripts); c.1254A>G, p.Ile418Met (NM_001407685.1, NM_001407686.1, NM_001407649.1 and 11 more transcripts); c.1239A>G, p.Ile413Met (NM_001407698.1, NM_001407724.1, NM_001407725.1 and 29 more transcripts); and 40 more; short protein forms I164M, I292M, I332M, I333M, I348M, I349M, I371M, I372M.
Identifiers: ClinVar variation 3893787 (VCV003893787.3).

ClinVar aggregate classification (germline): Uncertain significance. Review status: criteria provided, multiple submitters, no conflicts (2 of 4 stars). 3 submissions from 3 submitters: Uncertain significance (3). Last evaluated 2026-03-20.

Conditions:
Hereditary breast ovarian cancer syndrome. Also called: Breast and ovarian cancer; Hereditary breast and/or ovarian cancer syndrome; Hereditary breast and ovarian cancer syndrome; BRCA1- and BRCA2-Associated Hereditary Breast and Ovarian Cancer; Hereditary breast and ovarian cancer; Hereditary breast and ovarian cancer syndrome (HBOC). Identifiers: Orphanet 145, MedGen C0677776, MeSH D061325, MONDO:0003582. Disease mechanism: loss of function.
Hereditary cancer-predisposing syndrome. Also called: Neoplastic Syndromes, Hereditary; Tumor predisposition; Hereditary Cancer Syndrome; Hereditary neoplastic syndrome. Identifiers: Orphanet 140162, MedGen C0027672, MeSH D009386, MONDO:0015356.

Submissions (3):

Ambry Genetics
Classification: Uncertain significance for Hereditary cancer-predisposing syndrome. Last evaluated: 2026-03-20. Review status: criteria provided, single submitter. Criteria: Ambry Variant Classification Scheme 2023. Collection method: clinical testing. Allele origin: germline.
Comment: The p.I460M variant (also known as c.1380A>G), located in coding exon 9 of the BRCA1 gene, results from an A to G substitution at nucleotide position 1380. The isoleucine at codon 460 is replaced by methionine, an amino acid with highly similar properties. This amino acid position is highly conserved in available vertebrate species. In addition, this alteration is predicted to be deleterious by in silico analysis. Based on the available evidence, the clinical significance of this variant remains unclear.

Labcorp Genetics (formerly Invitae), Labcorp
Classification: Uncertain significance for Hereditary breast ovarian cancer syndrome. Last evaluated: 2026-01-13. Review status: criteria provided, single submitter. Criteria: Invitae Variant Classification Sherloc (09022015). Collection method: clinical testing. Allele origin: germline.
Comment: This sequence change replaces isoleucine, which is neutral and non-polar, with methionine, which is neutral and non-polar, at codon 460 of the BRCA1 protein (p.Ile460Met). This variant is not present in population databases (gnomAD no frequency). This missense change has been observed in individual(s) with prostate cancer (PMID: 31214711). ClinVar contains an entry for this variant (Variation ID: 3893787). Invitae Evidence Modeling of protein sequence and biophysical properties (such as structural, functional, and spatial information, amino acid conservation, physicochemical variation, residue mobility, and thermodynamic stability) indicates that this missense variant is expected to disrupt BRCA1 protein function with a positive predictive value of 80%. Experimental studies have shown that this missense change does not substantially affect BRCA1 function (PMID: 37731132). In summary, the available evidence is currently insufficient to determine the role of this variant in disease. Therefore, it has been classified as a Variant of Uncertain Significance.

Color Diagnostics, LLC DBA Color Health
Classification: Uncertain significance for Hereditary cancer-predisposing syndrome. Last evaluated: 2024-05-13. Review status: criteria provided, single submitter. Criteria: ACMG Guidelines, 2015. Collection method: clinical testing. Allele origin: germline.
Comment: This missense variant replaces isoleucine with methionine at codon 460 of the BRCA1 protein. Computational prediction suggests that this variant may have deleterious impact on protein structure and function. A functional study has reported that this variant does not impact BRCA1 function in a homology-directed DNA repair assay (PMID: 37731132). This variant has been reported in a prostate cancer case-control study in 1/7636 prostate cancer cases and in 0/12366 unaffected individuals (PMID: 31214711). This variant has not been identified in the general population by the Genome Aggregation Database (gnomAD). The available evidence is insufficient to determine the role of this variant in disease conclusively. Therefore, this variant is classified as a Variant of Uncertain Significance.

Literature cited by the submitters: PubMed 31214711 (cited by Labcorp Genetics (formerly Invitae), Labcorp and Color Diagnostics, LLC DBA Color Health); PubMed 37731132 (cited by Labcorp Genetics (formerly Invitae), Labcorp and Color Diagnostics, LLC DBA Color Health).